The following is an entry in ClinVar:

ClinVar aggregate classification (germline): Uncertain significance (1 of 4 stars; one submission).

Allele frequency attached by ClinVar (database versions not stated): TOPMed below 0.00001.

Submission:

Labcorp Genetics (formerly Invitae), Labcorp
Classification: Uncertain significance. Last evaluated: 2023-11-15. Review status: criteria provided, single submitter. Criteria: Invitae Variant Classification Sherloc (09022015). Collection method: clinical testing. Allele origin: germline.
Comment: This sequence change replaces glutamine, which is neutral and polar, with proline, which is neutral and non-polar, at codon 368 of the ANGPT1 protein (p.Gln368Pro). This variant is not present in population databases (gnomAD no frequency). This variant has not been reported in the literature in individuals affected with ANGPT1-related conditions. An algorithm developed to predict the effect of missense changes on protein structure and function (PolyPhen-2) suggests that this variant is likely to be disruptive. In summary, the available evidence is currently insufficient to determine the role of this variant in disease. Therefore, it has been classified as a Variant of Uncertain Significance.

NM_001146.5(ANGPT1):c.1103A>C (p.Gln368Pro)

Gene: ANGPT1 (angiopoietin 1; minus strand). Cytogenetic location: 8q23.1.
Variant type: single nucleotide variant.
Coding change: c.1103A>C on transcript NM_001146.5 (MANE Select); coding-DNA position 1103, A replaced by C.
Protein change: p.Gln368Pro; replaces glutamine 368 with proline.
Molecular consequence: missense variant.
Genome position (GRCh38, 1-based): chr8:107,284,784, T>G on the plus strand (A>C on the coding strand, the complement: ANGPT1 is on the minus strand). VCF-style: chr8-107284784-T-G. GRCh37 (hg19) VCF-style: chr8-108297012-T-G.
Other names: c.1100A>C, p.Gln367Pro (NM_001199859.3); c.503A>C, p.Gln168Pro (NM_001314051.2); short protein forms Q367P, Q368P, Q168P.
Identifiers: ClinVar variation 2696292 (VCV002696292.3), dbSNP rs1814099457, ClinGen allele CA372032779.
Genomic context (GRCh38, chr8:107,284,784, plus strand): 5'-TGTGAATAGGCTCGGTTCCCTTCCCAGTCCATTAACTCAATTCTTAGCATGTACTGCCTC[T>G]GACTGGTAATGGCAAAAATAAACTCATTCCCCAGCCAATATTCACCGGAGGGATTTCCAA-3'
Protein context (NP_001137.2, residues 358-378): GNEFIFAITS[Gln368Pro]RQYMLRIELM